The following is an entry in ClinVar:

ClinVar aggregate classification (germline): Uncertain significance. Review status: criteria provided, multiple submitters, no conflicts (2 of 4 stars). 3 submissions from 3 submitters: Uncertain significance (3). Last evaluated 2025-11-17.

Conditions:
Hereditary nonpolyposis colorectal neoplasms. Identifiers: MedGen C0009405, MeSH D003123.
Hereditary cancer-predisposing syndrome. Also called: Hereditary neoplastic syndrome; Hereditary Cancer Syndrome; Neoplastic Syndromes, Hereditary; Tumor predisposition. Identifiers: Orphanet 140162, MedGen C0027672, MeSH D009386, MONDO:0015356.

Allele frequency attached by ClinVar (database versions not stated): gnomAD exomes 0.00001.
gnomAD v4.1: 3 of 1,583,370 alleles (0.00019%); highest among the groups gnomAD compares: African/African-American, 0.0027%; no homozygotes.

Submissions (3):

Labcorp Genetics (formerly Invitae), Labcorp
Classification: Uncertain significance for Hereditary nonpolyposis colorectal neoplasms. Last evaluated: 2025-11-17. Review status: criteria provided, single submitter. Criteria: Invitae Variant Classification Sherloc (09022015). Collection method: clinical testing. Allele origin: germline.
Comment: This sequence change replaces proline, which is neutral and non-polar, with leucine, which is neutral and non-polar, at codon 726 of the PMS2 protein (p.Pro726Leu). The frequency data for this variant in the population databases (gnomAD) is considered unreliable due to the presence of homologous sequence, such as pseudogenes or paralogs, in the genome. This variant has not been reported in the literature in individuals affected with PMS2-related conditions. ClinVar contains an entry for this variant (Variation ID: 230192). Invitae Evidence Modeling incorporating data from in vitro experimental studies (internal data) indicates that this missense variant is not expected to disrupt PMS2 function with a negative predictive value of 95%. In summary, the available evidence is currently insufficient to determine the role of this variant in disease. Therefore, it has been classified as a Variant of Uncertain Significance.

Ambry Genetics
Classification: Uncertain significance for Hereditary cancer-predisposing syndrome. Last evaluated: 2024-08-27. Review status: criteria provided, single submitter. Criteria: Ambry Variant Classification Scheme 2023. Collection method: clinical testing. Allele origin: germline.
Comment: The p.P726L variant (also known as c.2177C>T), located in coding exon 13 of the PMS2 gene, results from a C to T substitution at nucleotide position 2177. The proline at codon 726 is replaced by leucine, an amino acid with similar properties. This amino acid position is highly conserved in available vertebrate species. In addition, this alteration is predicted to be deleterious by in silico analysis. Based on the available evidence, the clinical significance of this variant remains unclear.

Sema4
Classification: Uncertain significance for Hereditary cancer-predisposing syndrome. Last evaluated: 2022-03-21. Review status: criteria provided, single submitter. Criteria: Sema4 Curation Guidelines. Collection method: curation. Allele origin: germline.
Comment: The PMS2 c.2177C>T (p.P726L) variant has not been reported in the literature to our knowledge. This variant was observed in 2/14084 chromosomes in the African/African American population according to the Genome Aggregation Database (PMID: 32461654), and has been reported in ClinVar (Variation ID: 230192). In silico tools suggest the impact of the variant on protein function is deleterious, though these predictions have not been confirmed by functional studies. The evidence is insufficient to meet ACMG/AMP criteria for classifying the variant as benign or pathogenic. Thus, the clinical significance of this variant is currently uncertain.

NM_000535.7(PMS2):c.2177C>T (p.Pro726Leu)

Gene: PMS2 (PMS1 homolog 2, mismatch repair system component; minus strand). Cytogenetic location: 7p22.1.
Variant type: single nucleotide variant.
Coding change: c.2177C>T on transcript NM_000535.7 (MANE Select); coding-DNA position 2177, C replaced by T.
Protein change: p.Pro726Leu; replaces proline 726 with leucine.
Molecular consequence: missense variant. On other transcripts: non-coding transcript variant (1).
Genome position (GRCh38, 1-based): chr7:5,978,694, G>A on the plus strand (C>T on the coding strand, the complement: PMS2 is on the minus strand). VCF-style: chr7-5978694-G-A. GRCh37 (hg19) VCF-style: chr7-6018325-G-A.
Other names: c.1772C>T, p.Pro591Leu (NM_001322003.2, NM_001322004.2, NM_001322005.2 and 1 more transcripts); c.2021C>T, p.Pro674Leu (NM_001322006.2); c.1859C>T, p.Pro620Leu (NM_001322007.2, NM_001322008.2); c.1616C>T, p.Pro539Leu (NM_001322010.2); c.1244C>T, p.Pro415Leu (NM_001322011.2, NM_001322012.2); c.1604C>T, p.Pro535Leu (NM_001322013.2); c.2177C>T, p.Pro726Leu (NM_001322014.2); c.1868C>T, p.Pro623Leu (NM_001322015.2); short protein forms P726L, P591L, P415L, P535L, P539L, P674L, P620L, P623L.
Identifiers: ClinVar variation 230192 (VCV000230192.17), dbSNP rs876658439, ClinGen allele CA10578652.